The following is an entry in ClinVar:

ClinVar aggregate classification (germline): Uncertain significance. Review status: criteria provided, multiple submitters, no conflicts (2 of 4 stars). 4 submissions from 4 submitters: Uncertain significance (3). 1 of the submissions does not count toward it. Last evaluated 2026-07-22.

Conditions:
Fanconi anemia complementation group G. Also called: Fanconi anemia group G; FANCG-Related Fanconi Anemia. Identifiers: Orphanet 84, MedGen C3469527, MONDO:0013565, OMIM 614082.
Fanconi anemia (FA). Also called: Fanconi's anemia. Identifiers: Orphanet 84, MedGen C0015625, MeSH D005199, MONDO:0019391.
Inborn genetic diseases. Identifiers: MedGen C0950123, MeSH D030342.

Submissions (4):

Ambry Genetics
Classification: Uncertain significance for Inborn genetic diseases. Last evaluated: 2026-07-22. Review status: criteria provided, single submitter. Criteria: Ambry Variant Classification Scheme 2023. Collection method: clinical testing. Allele origin: germline.
Comment: The p.Q110H variant (also known as c.330G>C), located in coding exon 4 of the FANCG gene, results from a G to C substitution at nucleotide position 330. The glutamine at codon 110 is replaced by histidine, an amino acid with highly similar properties. This amino acid position is conserved. In addition, this alteration is predicted to be tolerated by in silico analysis. Based on the available evidence, the clinical significance of this variant remains unclear.

Labcorp Genetics (formerly Invitae), Labcorp
Classification: Uncertain significance for Fanconi anemia. Last evaluated: 2025-05-31. Review status: criteria provided, single submitter. Criteria: Invitae Variant Classification Sherloc (09022015). Collection method: clinical testing. Allele origin: germline.
Comment: This sequence change replaces glutamine, which is neutral and polar, with histidine, which is basic and polar, at codon 110 of the FANCG protein (p.Gln110His). This variant is present in population databases (rs772193861, gnomAD 0.01%). This variant has not been reported in the literature in individuals affected with FANCG-related conditions. ClinVar contains an entry for this variant (Variation ID: 3597296). Invitae Evidence Modeling of protein sequence and biophysical properties (such as structural, functional, and spatial information, amino acid conservation, physicochemical variation, residue mobility, and thermodynamic stability) indicates that this missense variant is not expected to disrupt FANCG protein function with a negative predictive value of 80%. In summary, the available evidence is currently insufficient to determine the role of this variant in disease. Therefore, it has been classified as a Variant of Uncertain Significance.

Fulgent Genetics
Classification: Uncertain significance for Fanconi anemia complementation group G. Last evaluated: 2024-04-28. Review status: criteria provided, single submitter. Criteria: ACMG Guidelines, 2015. Collection method: clinical testing. Allele origin: germline.

Natera, Inc.
Classification: Uncertain significance for Fanconi anemia group G. Last evaluated: 2025-05-05. Review status: no assertion criteria provided. Collection method: clinical testing. Allele origin: germline. Not counted in ClinVar's aggregate classification.

NM_004629.2(FANCG):c.330G>C (p.Gln110His)

Gene: FANCG (FA complementation group G; minus strand). Cytogenetic location: 9p13.3.
Variant type: single nucleotide variant.
Coding change: c.330G>C on transcript NM_004629.2 (MANE Select); coding-DNA position 330, G replaced by C.
Protein change: p.Gln110His; replaces glutamine 110 with histidine.
Molecular consequence: missense variant.
Genome position (GRCh38, 1-based): chr9:35,078,321, C>G on the plus strand (G>C on the coding strand, the complement: FANCG is on the minus strand). VCF-style: chr9-35078321-C-G. GRCh37 (hg19) VCF-style: chr9-35078318-C-G.
Other names: short protein forms Q110H.
Identifiers: ClinVar variation 3597296 (VCV003597296.4).